The following is an entry in ClinVar:

ClinVar aggregate classification (germline): Uncertain significance. Review status: criteria provided, single submitter (1 of 4 stars). 3 submissions from 3 submitters: Uncertain significance (1). 2 of the submissions do not count toward it. Last evaluated 2021-06-24.

Conditions:
BBS2-related disorder. Also called: BBS2-related disorders; BBS2-related condition. Identifiers: MedGen CN239228.
Bardet-Biedl syndrome (BBS). Identifiers: Orphanet 110, MedGen C0752166, MONDO:0015229.
Bardet-Biedl syndrome 2 (BBS2). Identifiers: Orphanet 110, MedGen C2936863, MONDO:0014432, OMIM 615981.

Allele frequency attached by ClinVar (database versions not stated): TOPMed 0.00001; gnomAD exomes below 0.00001; gnomAD 0.00001.
gnomAD v4.1: 5 of 1,610,880 alleles (0.00031%); highest among the groups gnomAD compares: Admixed American, 0.0017%; no homozygotes.

Submissions (3):

Labcorp Genetics (formerly Invitae), Labcorp
Classification: Uncertain significance for Bardet-Biedl syndrome. Last evaluated: 2021-06-24. Review status: criteria provided, single submitter. Criteria: Invitae Variant Classification Sherloc (09022015). Collection method: clinical testing. Allele origin: germline.
Comment: This sequence change falls in intron 1 of the BBS2 gene. It does not directly change the encoded amino acid sequence of the BBS2 protein, but it affects a nucleotide within the consensus splice site of the intron. This variant is not present in population databases (ExAC no frequency). This variant has not been reported in the literature in individuals with BBS2-related conditions. Nucleotide substitutions within the consensus splice site are a relatively common cause of aberrant splicing (PMID: 17576681, 9536098). Algorithms developed to predict the effect of sequence changes on RNA splicing suggest that this variant may disrupt the consensus splice site, but this prediction has not been confirmed by published transcriptional studies. In summary, the available evidence is currently insufficient to determine the role of this variant in disease. Therefore, it has been classified as a Variant of Uncertain Significance.

Natera, Inc.
Classification: Uncertain significance for Bardet-Biedl syndrome type 2. Last evaluated: 2021-09-21. Review status: no assertion criteria provided. Collection method: clinical testing. Allele origin: germline. Not counted in ClinVar's aggregate classification.

PreventionGenetics, part of Exact Sciences
Classification: Likely benign for BBS2-related condition. Last evaluated: 2020-10-21. Review status: no assertion criteria provided. Collection method: clinical testing. Allele origin: germline. Not counted in ClinVar's aggregate classification.
Comment: This variant is classified as likely benign based on ACMG/AMP sequence variant interpretation guidelines (Richards et al. 2015 PMID: 25741868, with internal and published modifications).

Literature cited by the submitters: PubMed 17576681 (cited by Labcorp Genetics (formerly Invitae), Labcorp); PubMed 9536098 (cited by Labcorp Genetics (formerly Invitae), Labcorp).

NM_031885.5(BBS2):c.117+5C>T

Gene: BBS2 (Bardet-Biedl syndrome 2; minus strand). Cytogenetic location: 16q13.
Variant type: single nucleotide variant.
Coding change: c.117+5C>T on transcript NM_031885.5 (MANE Select); 5 bases into the intron after coding-DNA position 117, C replaced by T.
Molecular consequence: intron variant.
Genome position (GRCh38, 1-based): chr16:56,519,741, G>A on the plus strand (C>T on the coding strand, the complement: BBS2 is on the minus strand). VCF-style: chr16-56519741-G-A. GRCh37 (hg19) VCF-style: chr16-56553653-G-A.
Other names: c.117+5C>T (NM_001377456.1).
Identifiers: ClinVar variation 957644 (VCV000957644.6), dbSNP rs1460934723, ClinGen allele CA622313769.
Genomic context (GRCh38, chr16:56,519,741, plus strand): 5'-GGCGCGGCCGGCGGAGATCCTGTGGTTCCCTGGGGCCCGGGCTCCCTGCGGGTGGGAGCG[G>A]TTACCTTGCCCGTTTGGGTGGCGGCCGCCAGGCACGGGTGAGTCCCGTCGTAGCGCCCTA-3'